The following is an entry in ClinVar:

NM_031218.4(ZNF93):c.1362G>A (p.Lys454=)

Gene: ZNF93 (zinc finger protein 93; plus strand). Cytogenetic location: 19p12.
Variant type: single nucleotide variant.
Coding change: c.1362G>A on transcript NM_031218.4 (MANE Select); coding-DNA position 1362, G replaced by A.
Protein change: p.Lys454=; no amino-acid change (lysine 454 retained).
Molecular consequence: synonymous variant.
Genome position (GRCh38, 1-based): chr19:19,934,317, G>A. VCF-style: chr19-19934317-G-A. GRCh37 (hg19) VCF-style: chr19-20045126-G-A.
Identifiers: ClinVar variation 2649615 (VCV002649615.24), dbSNP rs145106089, ClinGen allele CA9333723.

ClinVar aggregate classification (germline): Likely benign (1 of 4 stars; one submission).

Allele frequency attached by ClinVar (database versions not stated): ExAC 0.00029.

Submission:

CeGaT Center for Human Genetics Tuebingen
Classification: Likely benign. Last evaluated: 2026-09-01. Review status: criteria provided, single submitter. Criteria: CeGaT Center For Human Genetics Tuebingen Variant Classification Criteria Version 2. Collection method: clinical testing. Allele origin: germline. Affected: yes. Observed: 4 variant alleles.
Comment: ZNF93: BP4, BP7